The following is an entry in ClinVar:

NM_003796.3(URI1):c.931G>A (p.Asp311Asn)

Gene: URI1 (URI1 prefoldin like chaperone; plus strand). Cytogenetic location: 19q12.
Variant type: single nucleotide variant.
Coding change: c.931G>A on transcript NM_003796.3 (MANE Select); coding-DNA position 931, G replaced by A.
Protein change: p.Asp311Asn; replaces aspartic acid 311 with asparagine.
Molecular consequence: missense variant. On other transcripts: non-coding transcript variant (1).
Genome position (GRCh38, 1-based): chr19:30,009,249, G>A. VCF-style: chr19-30009249-G-A. GRCh37 (hg19) VCF-style: chr19-30500156-G-A.
Other names: c.931G>A (NM_003796.2); c.877G>A, p.Asp293Asn (NM_001252641.2); short protein forms D293N, D311N.
Identifiers: ClinVar variation 2649671 (VCV002649671.26), dbSNP rs769862941, ClinGen allele CA9352861.

ClinVar aggregate classification (germline): Uncertain significance. Review status: criteria provided, multiple submitters, no conflicts (2 of 4 stars). 2 submissions from 2 submitters: Uncertain significance (2). Last evaluated 2025-08-29.

Allele frequency attached by ClinVar (database versions not stated): ExAC 0.00002; gnomAD exomes 0.00002; TOPMed 0.00005; gnomAD 0.00007.
gnomAD v4.1: 35 of 1,612,794 alleles (0.0022%); highest among the groups gnomAD compares: East Asian, 0.0067%; no homozygotes.

Submissions (2):

Ambry Genetics
Classification: Uncertain significance. Last evaluated: 2025-08-29. Review status: criteria provided, single submitter. Criteria: Ambry Variant Classification Scheme 2023. Collection method: clinical testing. Allele origin: germline.

CeGaT Center for Human Genetics Tuebingen
Classification: Uncertain significance. Last evaluated: 2023-08-01. Review status: criteria provided, single submitter. Criteria: CeGaT Center For Human Genetics Tuebingen Variant Classification Criteria Version 2. Collection method: clinical testing. Allele origin: germline. Affected: yes. Observed: 1 variant allele.
Comment: URI1: PS2:Supporting, BP4